The following is an entry in ClinVar:

ClinVar aggregate classification (germline): Uncertain significance. Review status: criteria provided, multiple submitters, no conflicts (2 of 4 stars). 3 submissions from 3 submitters: Uncertain significance (3). Last evaluated 2025-06-12.

Conditions:
Nephronophthisis. Also called: Juvenile Nephronophthisis. Identifiers: Orphanet 655, MedGen C0687120, MONDO:0019005, HP:0000090.

Allele frequency attached by ClinVar (database versions not stated): gnomAD exomes 0.00002; TOPMed 0.00002; gnomAD 0.00003; ExAC 0.00004; ESP Exome Variant Server 0.00008.
gnomAD v4.1: 31 of 1,613,758 alleles (0.0019%); highest among the groups gnomAD compares: Non-Finnish European, 0.0024%; no homozygotes.

Submissions (3):

Labcorp Genetics (formerly Invitae), Labcorp
Classification: Uncertain significance for Nephronophthisis. Last evaluated: 2025-06-12. Review status: criteria provided, single submitter. Criteria: Invitae Variant Classification Sherloc (09022015). Collection method: clinical testing. Allele origin: germline.
Comment: This sequence change replaces asparagine, which is neutral and polar, with tyrosine, which is neutral and polar, at codon 406 of the IQCB1 protein (p.Asn406Tyr). This variant is present in population databases (rs370477022, gnomAD 0.005%). This variant has not been reported in the literature in individuals affected with IQCB1-related conditions. ClinVar contains an entry for this variant (Variation ID: 497942). Invitae Evidence Modeling of protein sequence and biophysical properties (such as structural, functional, and spatial information, amino acid conservation, physicochemical variation, residue mobility, and thermodynamic stability) indicates that this missense variant is not expected to disrupt IQCB1 protein function with a negative predictive value of 80%. In summary, the available evidence is currently insufficient to determine the role of this variant in disease. Therefore, it has been classified as a Variant of Uncertain Significance.

Blueprint Genetics
Classification: Uncertain significance. Last evaluated: 2024-05-03. Review status: criteria provided, single submitter. Criteria: ACMG Guidelines, 2015. Collection method: clinical testing. Allele origin: germline.

Eurofins Ntd Llc (ga)
Classification: Uncertain significance. Last evaluated: 2016-10-27. Review status: criteria provided, single submitter. Criteria: EGL Classification Definitions 2015. Collection method: clinical testing. Allele origin: germline. Observed: 1 variant allele, 1 heterozygote.

NM_001023570.4(IQCB1):c.1216A>T (p.Asn406Tyr)

Gene: IQCB1 (IQ motif containing B1; minus strand). Cytogenetic location: 3q13.33.
Variant type: single nucleotide variant.
Coding change: c.1216A>T on transcript NM_001023570.4 (MANE Select); coding-DNA position 1216, A replaced by T.
Protein change: p.Asn406Tyr; replaces asparagine 406 with tyrosine.
Molecular consequence: missense variant. On other transcripts: non-coding transcript variant (1).
Genome position (GRCh38, 1-based): chr3:121,788,346, T>A on the plus strand (A>T on the coding strand, the complement: IQCB1 is on the minus strand). VCF-style: chr3-121788346-T-A. GRCh37 (hg19) VCF-style: chr3-121507193-T-A.
Other names: c.817A>T, p.Asn273Tyr (NM_001023571.4); c.1216A>T, p.Asn406Tyr (NM_001319107.2); short protein forms N406Y, N273Y.
Identifiers: ClinVar variation 497942 (VCV000497942.8), dbSNP rs370477022, ClinGen allele CA2567173.